The following is an entry in ClinVar:

ClinVar aggregate classification (germline): Uncertain significance (1 of 4 stars; one submission).

Allele frequency attached by ClinVar (database versions not stated): gnomAD exomes below 0.00001; TOPMed below 0.00001; gnomAD 0.00001.
gnomAD v4.1: 2 of 1,613,928 alleles (0.00012%); highest among the groups gnomAD compares: Admixed American, 0.0017%; no homozygotes.

Submission:

Labcorp Genetics (formerly Invitae), Labcorp
Classification: Uncertain significance. Last evaluated: 2024-01-06. Review status: criteria provided, single submitter. Criteria: Invitae Variant Classification Sherloc (09022015). Collection method: clinical testing. Allele origin: germline.
Comment: This sequence change affects codon 1680 of the ABCA3 mRNA. It is a 'silent' change, meaning that it does not change the encoded amino acid sequence of the ABCA3 protein. This variant is not present in population databases (gnomAD no frequency). This variant has not been reported in the literature in individuals affected with ABCA3-related conditions. Algorithms developed to predict the effect of sequence changes on RNA splicing suggest that this variant may create or strengthen a splice site. In summary, the available evidence is currently insufficient to determine the role of this variant in disease. Therefore, it has been classified as a Variant of Uncertain Significance.

NM_001089.3(ABCA3):c.5040G>A (p.Val1680=)

Gene: ABCA3 (ATP binding cassette subfamily A member 3; minus strand). Cytogenetic location: 16p13.3.
Variant type: single nucleotide variant.
Coding change: c.5040G>A on transcript NM_001089.3 (MANE Select); coding-DNA position 5040, G replaced by A.
Protein change: p.Val1680=; no amino-acid change (valine 1680 retained).
Molecular consequence: synonymous variant.
Genome position (GRCh38, 1-based): chr16:2,276,749, C>T on the plus strand (G>A on the coding strand, the complement: ABCA3 is on the minus strand). VCF-style: chr16-2276749-C-T. GRCh37 (hg19) VCF-style: chr16-2326750-C-T.
Identifiers: ClinVar variation 2806195 (VCV002806195.3), dbSNP rs2093647054, ClinGen allele CA493089184.